The following is an entry in ClinVar:

ClinVar aggregate classification (germline): Uncertain significance (1 of 4 stars; one submission).

Conditions:
Hereditary cancer-predisposing syndrome. Also called: Neoplastic Syndromes, Hereditary; Hereditary Cancer Syndrome; Hereditary neoplastic syndrome; Tumor predisposition. Identifiers: Orphanet 140162, MedGen C0027672, MeSH D009386, MONDO:0015356.

Submission:

Ambry Genetics
Classification: Uncertain significance for Hereditary cancer-predisposing syndrome. Last evaluated: 2023-03-28. Review status: criteria provided, single submitter. Criteria: Ambry Variant Classification Scheme 2023. Collection method: clinical testing. Allele origin: germline.
Comment: The c.264_266delCCCinsTCT variant (also known as p.P89L), located in coding exon 3 of the BARD1 gene, results from an in-frame deletion of CCC and insertion of TCT at nucleotide positions 264 to 266. This results in the substitution of the proline residue for a leucine residue at codon 89, an amino acid with similar properties. This amino acid position is highly conserved in available vertebrate species. In addition, this alteration is predicted to be deleterious by in silico analysis (Choi Y et al. PLoS ONE. 2012; 7(10):e46688). Since supporting evidence is limited at this time, the clinical significance of this alteration remains unclear.

NM_000465.4(BARD1):c.264_266delinsTCT (p.Pro89Leu)

Gene: BARD1 (BRCA1 associated RING domain 1; minus strand). Cytogenetic location: 2q35.
Variant type: Indel.
Coding change: c.264_266delinsTCT on transcript NM_000465.4 (MANE Select); coding-DNA positions 264 to 266, CCC replaced by TCT.
Protein change: p.Pro89Leu; replaces proline 89 with leucine.
Molecular consequence: missense variant. On other transcripts: non-coding transcript variant (1), intron variant (2).
Genome position (GRCh38, 1-based): chr2:214,792,395-214,792,397, GGG replaced by AGA on the plus strand (CCC replaced by TCT on the coding strand, the reverse complement: BARD1 is on the minus strand). VCF-style: chr2-214792395-GGG-AGA. GRCh37 (hg19) VCF-style: chr2-215657119-GGG-AGA.
Other names: c.207_209delinsTCT, p.Pro70Leu (NM_001282543.2); c.264_266delinsTCT, p.Pro89Leu (NM_001282549.2); c.158+17015_158+17017delinsTCT (NM_001282548.2); c.215+4664_215+4666delinsTCT (NM_001282545.2); short protein forms P70L, P89L.
Identifiers: ClinVar variation 2565195 (VCV002565195.2), dbSNP rs2469561412, ClinGen allele CA2580616690.